The following is an entry in ClinVar:

NM_001371986.1(UNC80):c.9118+4G>A

Gene: UNC80 (unc-80 homolog, NALCN channel complex subunit; plus strand). Cytogenetic location: 2q34.
Variant type: single nucleotide variant.
Coding change: c.9118+4G>A on transcript NM_001371986.1 (MANE Select); 4 bases into the intron after coding-DNA position 9118, G replaced by A.
Molecular consequence: intron variant.
Genome position (GRCh38, 1-based): chr2:209,978,712, G>A. VCF-style: chr2-209978712-G-A. GRCh37 (hg19) VCF-style: chr2-210843436-G-A.
Other names: c.8920+4G>A (NM_032504.2); c.8905+4G>A (NM_182587.4).
Identifiers: ClinVar variation 1925284 (VCV001925284.3), dbSNP rs564603414, ClinGen allele CA1324791679.
Genomic context (GRCh38, chr2:209,978,712, plus strand): 5'-CATCCCAGCAGGCTTCGCAGGACACCCTGAGTCGGACTGATGAGGAAGATGAGGAAAGTA[G>A]GTCATTCCAGAGAATCTGGGCAGTAGACATGGCCTGGCCATACGAGCAGGGGCTTGGGAA-3'

ClinVar aggregate classification (germline): Uncertain significance (1 of 4 stars; one submission).

gnomAD v4.1: 2 of 1,523,844 alleles (0.00013%); highest among the groups gnomAD compares: Non-Finnish European, 0.00018%; no homozygotes.

Submission:

Labcorp Genetics (formerly Invitae), Labcorp
Classification: Uncertain significance. Last evaluated: 2022-08-22. Review status: criteria provided, single submitter. Criteria: Invitae Variant Classification Sherloc (09022015). Collection method: clinical testing. Allele origin: germline.
Comment: In summary, the available evidence is currently insufficient to determine the role of this variant in disease. Therefore, it has been classified as a Variant of Uncertain Significance. Variants that disrupt the consensus splice site are a relatively common cause of aberrant splicing (PMID: 17576681, 9536098). Algorithms developed to predict the effect of sequence changes on RNA splicing suggest that this variant is not likely to affect RNA splicing. This variant has not been reported in the literature in individuals affected with UNC80-related conditions. This variant is not present in population databases (gnomAD no frequency). This sequence change falls in intron 58 of the UNC80 gene. It does not directly change the encoded amino acid sequence of the UNC80 protein. It affects a nucleotide within the consensus splice site.

Literature cited by the submitters: PubMed 17576681; PubMed 9536098.